The following is an entry in ClinVar:

NM_000492.4(CFTR):c.206T>G (p.Leu69Arg)

Gene: CFTR (CF transmembrane conductance regulator; plus strand). Cytogenetic location: 7q31.2.
Variant type: single nucleotide variant.
Coding change: c.206T>G on transcript NM_000492.4 (MANE Select); coding-DNA position 206, T replaced by G.
Protein change: p.Leu69Arg; replaces leucine 69 with arginine.
Molecular consequence: missense variant.
Genome position (GRCh38, 1-based): chr7:117,509,075, T>G. VCF-style: chr7-117509075-T-G. GRCh37 (hg19) VCF-style: chr7-117149129-T-G.
Other names: short protein forms L69R.
Identifiers: ClinVar variation 1706067 (VCV001706067.1), dbSNP rs2484975271, ClinGen allele CA368972185.

ClinVar aggregate classification (germline): Likely pathogenic (1 of 4 stars; one submission).

Conditions:
Cystic fibrosis (CF). Also called: MUCOVISCIDOSIS. Identifiers: Orphanet 586, MedGen C0010674, MONDO:0009061, OMIM 219700. Disease mechanism: loss of function.

Submission:

Institute of Human Genetics, University of Leipzig Medical Center
Classification: Likely pathogenic for Cystic fibrosis. Last evaluated: 2022-09-05. Review status: criteria provided, single submitter. Criteria: ACMG Guidelines, 2015. Collection method: curation. Allele origin: unknown. Affected: yes. Observed: 1 variant allele.
Comment: The variant was classified in the context of a project re-classifying variants in the German Cystic Fibrosis Registry (Muko.e.V.). Criteria applied: PM2_SUP, PM5, PP3, PP4, PP5